The following is an entry in ClinVar:

ClinVar aggregate classification (germline): Likely pathogenic (1 of 4 stars; one submission).

Conditions:
Autosomal recessive spastic paraplegia type 78. Identifiers: Orphanet 513436, MedGen C5567893, MONDO:0014975, OMIM 617225.
Kufor-Rakeb syndrome (KRS). Also called: PARKINSON DISEASE 9, AUTOSOMAL RECESSIVE, JUVENILE-ONSET. Identifiers: Orphanet 306674, Orphanet 314632, MedGen C1847640, MONDO:0011706, OMIM 606693.

Submission:

Labcorp Genetics (formerly Invitae), Labcorp
Classification: Likely pathogenic for Kufor-Rakeb syndrome; Autosomal recessive spastic paraplegia type 78. Last evaluated: 2023-05-22. Review status: criteria provided, single submitter. Criteria: Invitae Variant Classification Sherloc (09022015). Collection method: clinical testing. Allele origin: germline.
Comment: In summary, the currently available evidence indicates that the variant is pathogenic, but additional data are needed to prove that conclusively. Therefore, this variant has been classified as Likely Pathogenic. ClinVar contains an entry for this variant (Variation ID: 2021946). This variant has not been reported in the literature in individuals affected with ATP13A2-related conditions. Information on the frequency of this variant in the gnomAD database is not available, as this variant may be reported differently in the database. This sequence change affects a splice site in intron 19 of the ATP13A2 gene. It is expected to disrupt RNA splicing. Variants that disrupt the donor or acceptor splice site typically lead to a loss of protein function (PMID: 16199547), and loss-of-function variants in ATP13A2 are known to be pathogenic (PMID: 16964263, 21696388).

Literature cited by the submitters: PubMed 16199547; PubMed 16964263; PubMed 21696388.

NM_022089.4(ATP13A2):c.2127-2_2127-1delinsCC

Gene: ATP13A2 (ATPase cation transporting 13A2; minus strand). Cytogenetic location: 1p36.13.
Variant type: Indel.
Coding change: c.2127-2_2127-1delinsCC on transcript NM_022089.4 (MANE Select); the canonical splice acceptor site of the intron before coding-DNA position 2127, AG replaced by CC.
Molecular consequence: splice acceptor variant.
Genome position (GRCh38, 1-based): chr1:16,991,859-16,991,860, CT replaced by GG on the plus strand (AG replaced by CC on the coding strand, the reverse complement: ATP13A2 is on the minus strand). VCF-style: chr1-16991859-CT-GG. GRCh37 (hg19) VCF-style: chr1-17318354-CT-GG.
Other names: c.2112-2_2112-1delinsCC (NM_001141974.3, NM_001141973.3).
Identifiers: ClinVar variation 2021946 (VCV002021946.4), dbSNP rs2523251101, ClinGen allele CA2580060602.